The following is an entry in ClinVar:

ClinVar aggregate classification (germline): Conflicting classifications of pathogenicity. Review status: criteria provided, conflicting classifications (1 of 4 stars). 5 submissions from 5 submitters: Uncertain significance (3); Likely benign (2). Last evaluated 2025-12-11.

Conditions:
Hereditary cancer-predisposing syndrome. Also called: Hereditary neoplastic syndrome; Neoplastic Syndromes, Hereditary; Tumor predisposition; Hereditary Cancer Syndrome. Identifiers: Orphanet 140162, MedGen C0027672, MeSH D009386, MONDO:0015356.
Familial cancer of breast. Also called: Hereditary breast cancer; hereditary breast carcinoma; BREAST CANCER, FAMILIAL. Identifiers: Orphanet 227535, MedGen C0346153, MONDO:0016419, OMIM 114480. Disease mechanism: loss of function.
Fanconi anemia complementation group J. Also called: BRIP1-Related Fanconi Anemia. Identifiers: Orphanet 84, MedGen C1836860, MONDO:0012187, OMIM 609054.

Allele frequency attached by ClinVar (database versions not stated): gnomAD exomes below 0.00001; gnomAD 0.00001; TOPMed 0.00002.

Submissions (5):

Labcorp Genetics (formerly Invitae), Labcorp
Classification: Uncertain significance for Familial cancer of breast; Fanconi anemia complementation group J. Last evaluated: 2025-12-11. Review status: criteria provided, single submitter. Criteria: Invitae Variant Classification Sherloc (09022015). Collection method: clinical testing. Allele origin: germline.
Comment: This sequence change replaces valine, which is neutral and non-polar, with isoleucine, which is neutral and non-polar, at codon 76 of the BRIP1 protein (p.Val76Ile). This variant is present in population databases (rs769573395, gnomAD 0.008%). This variant has not been reported in the literature in individuals affected with BRIP1-related conditions. ClinVar contains an entry for this variant (Variation ID: 407851). Invitae Evidence Modeling of protein sequence and biophysical properties (such as structural, functional, and spatial information, amino acid conservation, physicochemical variation, residue mobility, and thermodynamic stability) indicates that this missense variant is not expected to disrupt BRIP1 protein function with a negative predictive value of 95%. In summary, the available evidence is currently insufficient to determine the role of this variant in disease. Therefore, it has been classified as a Variant of Uncertain Significance.

Color Diagnostics, LLC DBA Color Health
Classification: Likely benign for Hereditary cancer-predisposing syndrome. Last evaluated: 2024-09-19. Review status: criteria provided, single submitter. Criteria: ACMG Guidelines, 2015. Collection method: clinical testing. Allele origin: germline.

GeneDx
Classification: Uncertain significance. Last evaluated: 2023-04-28. Review status: criteria provided, single submitter. Criteria: GeneDx Variant Classification Process June 2021. Collection method: clinical testing. Allele origin: germline. Affected: yes.
Comment: Not observed at significant frequency in large population cohorts (gnomAD); In silico analysis supports that this missense variant does not alter protein structure/function; Has not been previously published as pathogenic or benign to our knowledge

Sema4
Classification: Uncertain significance for Hereditary cancer-predisposing syndrome. Last evaluated: 2021-10-18. Review status: criteria provided, single submitter. Criteria: Sema4 Curation Guidelines. Collection method: curation. Allele origin: germline.
Comment: The BRIP1 c.226G>A (p.V76I) variant has not been reported in the literature to our knowledge. It was observed in 2/24966 chromosomes of the African/African American subpopulation in the large and broad cohorts of the Genome Aggregation Database (PMID: 32461654). The variant has been reported in ClinVar (Variation ID 407851). Functional studies have not been performed, and in silico predictions of the variant's effect on protein function are inconclusive. The evidence is insufficient to meet ACMG/AMP criteria for classifying the variant as benign or pathogenic. Thus, the clinical significance of this variant is currently uncertain.

Ambry Genetics
Classification: Likely benign for Hereditary cancer-predisposing syndrome. Last evaluated: 2019-04-30. Review status: criteria provided, single submitter. Criteria: Ambry Variant Classification Scheme 2023. Collection method: clinical testing. Allele origin: germline.

NM_032043.3(BRIP1):c.226G>A (p.Val76Ile)

Gene: BRIP1 (BRCA1 interacting DNA helicase 1; minus strand). Cytogenetic location: 17q23.2.
Variant type: single nucleotide variant.
Coding change: c.226G>A on transcript NM_032043.3 (MANE Select); coding-DNA position 226, G replaced by A.
Protein change: p.Val76Ile; replaces valine 76 with isoleucine.
Molecular consequence: missense variant.
Genome position (GRCh38, 1-based): chr17:61,857,211, C>T on the plus strand (G>A on the coding strand, the complement: BRIP1 is on the minus strand). VCF-style: chr17-61857211-C-T. GRCh37 (hg19) VCF-style: chr17-59934572-C-T.
Other names: short protein forms V76I.
Identifiers: ClinVar variation 407851 (VCV000407851.20), dbSNP rs769573395, ClinGen allele CA16615534.